The following is an entry in ClinVar:

NM_182961.4(SYNE1):c.26330C>G (p.Ser8777Cys)

Genes: ESR1 (estrogen receptor 1; plus strand), SYNE1 (spectrin repeat containing nuclear envelope protein 1; minus strand). Cytogenetic location: 6q25.2.
Variant type: single nucleotide variant.
Coding change: c.26330C>G on transcript NM_182961.4 (MANE Select); coding-DNA position 26330, C replaced by G.
Protein change: p.Ser8777Cys; replaces serine 8777 with cysteine.
Molecular consequence: missense variant. On other transcripts: 3 prime UTR variant (1), intron variant (1).
Genome position (GRCh38, 1-based): chr6:152,122,500, G>C on the plus strand (C>G on the coding strand, the complement: SYNE1 is on the minus strand). VCF-style: chr6-152122500-G-C. GRCh37 (hg19) VCF-style: chr6-152443635-G-C.
Other names: c.*141C>G (NM_001347701.2); c.2864C>G, p.Ser955Cys (NM_001347702.2); c.26186C>G, p.Ser8729Cys (NM_033071.5); c.851-2766G>C (NM_001328100.2); short protein forms S8729C, S8777C, S955C.
Identifiers: ClinVar variation 448595 (VCV000448595.40), dbSNP rs377446250, ClinGen allele CA4052586.

ClinVar aggregate classification (germline): Uncertain significance. Review status: criteria provided, multiple submitters, no conflicts (2 of 4 stars). 8 submissions from 8 submitters: Uncertain significance (7). 1 of the submissions does not count toward it. Last evaluated 2025-01-03.

Conditions:
Rare genetic intellectual disability. Identifiers: Orphanet 183757, MedGen C5680527.
Emery-Dreifuss muscular dystrophy 4, autosomal dominant (EDMD4). Also called: EMERY-DREIFUSS MUSCULAR DYSTROPHY 4 WITH VARIABLE FEATURES. Identifiers: Orphanet 261, MedGen C2751807, MONDO:0013071, OMIM 612998.
Autosomal recessive ataxia, Beauce type. Also called: Spinocerebellar ataxia, autosomal recessive 8; SYNE1-Related Autosomal Recessive Cerebellar Ataxia; ATAXIA, RECESSIVE, OF BEAUCE; SYNE1 Deficiency. Identifiers: Orphanet 88644, MedGen C1853116, MONDO:0012549, OMIM 610743.

Allele frequency attached by ClinVar (database versions not stated): gnomAD exomes 0.00015 and 0.00006; TOPMed 0.00006; ESP Exome Variant Server 0.00008; ExAC 0.00003; gnomAD 0.00007.
gnomAD v4.1: 226 of 1,614,072 alleles (0.014%); highest among the groups gnomAD compares: Non-Finnish European, 0.018%; no homozygotes.

Submissions (8):

Revvity Omics, Revvity
Classification: Uncertain significance. Last evaluated: 2025-01-03. Review status: criteria provided, single submitter. Criteria: ACMG Guidelines, 2015. Collection method: clinical testing. Allele origin: germline.

CeGaT Center for Human Genetics Tuebingen
Classification: Uncertain significance. Last evaluated: 2024-02-01. Review status: criteria provided, single submitter. Criteria: CeGaT Center For Human Genetics Tuebingen Variant Classification Criteria Version 2. Collection method: clinical testing. Allele origin: germline. Affected: yes. Observed: 1 variant allele.
Comment: SYNE1: PM2

Blueprint Genetics
Classification: Uncertain significance. Last evaluated: 2023-05-29. Review status: criteria provided, single submitter. Criteria: ACMG Guidelines, 2015. Collection method: clinical testing. Allele origin: germline.

GeneDx
Classification: Uncertain significance. Last evaluated: 2023-01-06. Review status: criteria provided, single submitter. Criteria: GeneDx Variant Classification Process June 2021. Collection method: clinical testing. Allele origin: germline. Affected: yes.
Comment: In silico analysis supports that this missense variant has a deleterious effect on protein structure/function; Has not been previously published as pathogenic or benign to our knowledge

Labcorp Genetics (formerly Invitae), Labcorp
Classification: Uncertain significance for Emery-Dreifuss muscular dystrophy 4, autosomal dominant; Autosomal recessive ataxia, Beauce type. Last evaluated: 2022-09-13. Review status: criteria provided, single submitter. Criteria: Invitae Variant Classification Sherloc (09022015). Collection method: clinical testing. Allele origin: germline.
Comment: This sequence change replaces serine, which is neutral and polar, with cysteine, which is neutral and slightly polar, at codon 8729 of the SYNE1 protein (p.Ser8729Cys). This variant is present in population databases (rs377446250, gnomAD 0.01%). This variant has not been reported in the literature in individuals affected with SYNE1-related conditions. ClinVar contains an entry for this variant (Variation ID: 448595). Algorithms developed to predict the effect of missense changes on protein structure and function are either unavailable or do not agree on the potential impact of this missense change (SIFT: "Deleterious"; PolyPhen-2: "Probably Damaging"; Align-GVGD: "Class C0"). In summary, the available evidence is currently insufficient to determine the role of this variant in disease. Therefore, it has been classified as a Variant of Uncertain Significance.

Athena Diagnostics
Classification: Uncertain significance. Last evaluated: 2019-05-14. Review status: criteria provided, single submitter. Criteria: Athena Diagnostics Criteria. Collection method: clinical testing. Allele origin: germline.

Eurofins Ntd Llc (ga)
Classification: Uncertain significance. Last evaluated: 2017-05-25. Review status: criteria provided, single submitter. Criteria: EGL Classification Definitions 2015. Collection method: clinical testing. Allele origin: germline. Observed: 1 variant allele, 1 heterozygote.

Service de Génétique Moléculaire, Hôpital Robert Debré
Classification: Uncertain significance for Rare genetic intellectual disability. Review status: no assertion criteria provided. Collection method: clinical testing. Allele origin: maternal. Not counted in ClinVar's aggregate classification.